The following is an entry in ClinVar:

NC_000005.9:g.(?_16474840)_(16475353_?)del

Gene: RETREG1 (reticulophagy regulator 1; minus strand). Cytogenetic location: 5p15.1.
Variant type: Deletion.
Identifiers: ClinVar variation 1041410 (VCV001041410.5).

ClinVar aggregate classification (germline): Uncertain significance (1 of 4 stars; one submission).

Submission:

Labcorp Genetics (formerly Invitae), Labcorp
Classification: Uncertain significance. Last evaluated: 2020-05-14. Review status: criteria provided, single submitter. Criteria: Invitae Variant Classification Sherloc (09022015). Collection method: clinical testing. Allele origin: germline.
Comment: In summary, the available evidence is currently insufficient to determine the role of this variant in disease. Therefore, it has been classified as a Variant of Uncertain Significance. Experimental studies and prediction algorithms are not available or were not evaluated, and the functional significance of this variant is currently unknown. This variant has not been reported in the literature in individuals with RETREG1-related conditions. This variant is a gross deletion of the genomic region encompassing exon(s) 9 of the RETREG1 gene. The 5' boundary is likely confined to intron 8. The 3' end of this event is unknown as it extends through the termination codon beyond the assayed region for this gene and may encompass additional genes. While this deletion is not anticipated to result in nonsense mediated decay, it is expected to create a truncated protein product or disrupt mRNA translation.